The following is an entry in ClinVar:

NM_003072.5(SMARCA4):c.4424G>C (p.Ser1475Thr)

Gene: SMARCA4 (SWI/SNF related BAF chromatin remodeling complex subunit ATPase 4; plus strand). Cytogenetic location: 19p13.2.
Variant type: single nucleotide variant.
Coding change: c.4424G>C on transcript NM_003072.5 (MANE Select); coding-DNA position 4424, G replaced by C.
Protein change: p.Ser1475Thr; replaces serine 1475 with threonine.
Molecular consequence: missense variant. On other transcripts: non-coding transcript variant (1).
Genome position (GRCh38, 1-based): chr19:11,041,560, G>C. VCF-style: chr19-11041560-G-C. GRCh37 (hg19) VCF-style: chr19-11152236-G-C.
Other names: c.4424G>C, p.Ser1475Thr (NM_001128844.3); c.4334G>C, p.Ser1445Thr (NM_001128845.2, NM_001128846.2); c.4325G>C, p.Ser1442Thr (NM_001128847.4, NM_001128848.2, NM_001374457.1); c.4520G>C, p.Ser1507Thr (NM_001128849.3, NM_001387283.1); c.4421G>C, p.Ser1474Thr (NM_001411150.1); short protein forms S1507T, S1475T, S1445T, S1474T, S1442T.
Identifiers: ClinVar variation 1741212 (VCV001741212.3), dbSNP rs2146823777, ClinGen allele CA404074251.

ClinVar aggregate classification (germline): Uncertain significance (1 of 4 stars; one submission).

Conditions:
Hereditary cancer-predisposing syndrome. Also called: Tumor predisposition; Hereditary Cancer Syndrome; Hereditary neoplastic syndrome; Neoplastic Syndromes, Hereditary. Identifiers: Orphanet 140162, MedGen C0027672, MeSH D009386, MONDO:0015356.

Submission:

Ambry Genetics
Classification: Uncertain significance for Hereditary cancer-predisposing syndrome. Last evaluated: 2026-03-05. Review status: criteria provided, single submitter. Criteria: Ambry Variant Classification Scheme 2023. Collection method: clinical testing. Allele origin: germline.
Comment: The p.S1507T variant (also known as c.4520G>C), located in coding exon 30 of the SMARCA4 gene, results from a G to C substitution at nucleotide position 4520. The amino acid change results in serine to threonine at codon 1507, an amino acid with similar properties. However, this change occurs in the last base pair of coding exon 30, which makes it likely to have some effect on normal mRNA splicing. This nucleotide position is highly conserved in available vertebrate species. In silico splice site analysis predicts that this alteration will not have any significant effect on splicing. This amino acid position is well conserved in available vertebrate species. In addition, as a missense substitution this is predicted to be tolerated by in silico analysis. Based on the available evidence, the clinical significance of this variant remains unclear.